The following is an entry in ClinVar:

ClinVar aggregate classification (germline): Uncertain significance (1 of 4 stars; one submission).

Allele frequency attached by ClinVar (database versions not stated): TOPMed below 0.00001; ExAC 0.00001.
gnomAD v4.1: 2 of 1,612,630 alleles (0.00012%); highest among the groups gnomAD compares: Non-Finnish European, 0.00017%; no homozygotes.

Submission:

Labcorp Genetics (formerly Invitae), Labcorp
Classification: Uncertain significance. Last evaluated: 2022-08-03. Review status: criteria provided, single submitter. Criteria: Invitae Variant Classification Sherloc (09022015). Collection method: clinical testing. Allele origin: germline.
Comment: Advanced modeling of protein sequence and biophysical properties (such as structural, functional, and spatial information, amino acid conservation, physicochemical variation, residue mobility, and thermodynamic stability) performed at Invitae indicates that this missense variant is not expected to disrupt WFS1 protein function. This missense change has been observed in individual(s) with late onset deafness (PMID: 28974383). This variant is present in population databases (rs761976067, gnomAD 0.0009%). This sequence change replaces tyrosine, which is neutral and polar, with histidine, which is basic and polar, at codon 528 of the WFS1 protein (p.Tyr528His). In summary, the available evidence is currently insufficient to determine the role of this variant in disease. Therefore, it has been classified as a Variant of Uncertain Significance.

Literature cited by the submitters: PubMed 28974383.

NM_006005.3(WFS1):c.1582T>C (p.Tyr528His)

Gene: WFS1 (wolframin ER transmembrane glycoprotein; plus strand). Cytogenetic location: 4p16.1.
Variant type: single nucleotide variant.
Coding change: c.1582T>C on transcript NM_006005.3 (MANE Select); coding-DNA position 1582, T replaced by C.
Protein change: p.Tyr528His; replaces tyrosine 528 with histidine.
Molecular consequence: missense variant.
Genome position (GRCh38, 1-based): chr4:6,301,377, T>C. VCF-style: chr4-6301377-T-C. GRCh37 (hg19) VCF-style: chr4-6303104-T-C.
Other names: c.1582T>C, p.Tyr528His (NM_001145853.1); short protein forms Y528H.
Identifiers: ClinVar variation 2203522 (VCV002203522.4), dbSNP rs761976067, ClinGen allele CA2839411.